The following is an entry in ClinVar:

NM_001287491.2(TET3):c.3574C>G (p.Leu1192Val)

Gene: TET3 (tet methylcytosine dioxygenase 3; plus strand). Cytogenetic location: 2p13.1.
Variant type: single nucleotide variant.
Coding change: c.3574C>G on transcript NM_001287491.2 (MANE Select); coding-DNA position 3574, C replaced by G.
Protein change: p.Leu1192Val; replaces leucine 1192 with valine.
Molecular consequence: missense variant.
Genome position (GRCh38, 1-based): chr2:74,099,582, C>G. VCF-style: chr2-74099582-C-G. GRCh37 (hg19) VCF-style: chr2-74326709-C-G.
Other names: c.3295C>G, p.Leu1099Val (NM_001366022.1); short protein forms L1099V, L1192V.
Identifiers: ClinVar variation 3767410 (VCV003767410.1).

ClinVar aggregate classification (germline): Uncertain significance (1 of 4 stars; one submission).

Submission:

GeneDx
Classification: Uncertain significance. Last evaluated: 2024-09-04. Review status: criteria provided, single submitter. Criteria: GeneDx Variant Classification Process June 2021. Collection method: clinical testing. Allele origin: germline. Affected: yes.
Comment: Not observed at significant frequency in large population cohorts (gnomAD); In silico analysis does not support a benign or deleterious effect of this variant on protein structure/function; Has not been previously published as pathogenic or benign to our knowledge